The following is an entry in ClinVar:

NM_001005373.4(LRSAM1):c.2152C>T (p.Arg718Cys)

Gene: LRSAM1 (leucine rich repeat and sterile alpha motif containing 1; plus strand). Cytogenetic location: 9q34.11.
Variant type: single nucleotide variant.
Coding change: c.2152C>T on transcript NM_001005373.4 (MANE Select); coding-DNA position 2152, C replaced by T.
Protein change: p.Arg718Cys; replaces arginine 718 with cysteine.
Molecular consequence: missense variant. On other transcripts: non-coding transcript variant (2).
Genome position (GRCh38, 1-based): chr9:127,502,879, C>T. VCF-style: chr9-127502879-C-T. GRCh37 (hg19) VCF-style: chr9-130265158-C-T.
Other names: c.2152C>T, p.Arg718Cys (NM_001005374.4, NM_001384142.1, NM_138361.5); c.2071C>T, p.Arg691Cys (NM_001190723.3); c.2053C>T, p.Arg685Cys (NM_001384143.1); c.1363C>T, p.Arg455Cys (NM_001384144.1); c.2152C>T (NM_138361.4); short protein forms R718C, R691C, R455C, R685C.
Identifiers: ClinVar variation 580568 (VCV000580568.47), dbSNP rs368202093, ClinGen allele CA5247276.
Genomic context (GRCh38, chr9:127,502,879, plus strand): 5'-CAGTGCTGCCAGCCACTGCGCACCTGCCCGCTGTGCCGCCAGGACATCGCCCAGCGCCTC[C>T]GCATCTACCACAGCAGCTGAGTGCTGCCCGCCCACCTGGGCCTGGTCCTAGCCCTGCCTC-3'
Protein context (NP_001005373.1, residues 708-723): LCRQDIAQRL[Arg718Cys]IYHSS

ClinVar aggregate classification (germline): Uncertain significance. Review status: criteria provided, multiple submitters, no conflicts (2 of 4 stars). 3 submissions from 3 submitters: Uncertain significance (3). Last evaluated 2025-06-30.

Conditions:
Charcot-Marie-Tooth disease axonal type 2P. Also called: Charcot-Marie-Tooth Neuropathy Type 2G; CHARCOT-MARIE-TOOTH DISEASE, AXONAL, TYPE 2G; CMT 2G; CHARCOT-MARIE-TOOTH NEUROPATHY, TYPE 2P. Identifiers: Orphanet 300319, Orphanet 99941, MedGen C3280797, MONDO:0013753, OMIM 614436.
Inborn genetic diseases. Identifiers: MedGen C0950123, MeSH D030342.

Allele frequency attached by ClinVar (database versions not stated): gnomAD exomes 0.00002; gnomAD 0.00003 and 0.00004; TOPMed 0.00003; ExAC 0.00006; ESP Exome Variant Server 0.00015.
gnomAD v4.1: 74 of 1,605,640 alleles (0.0046%); highest among the groups gnomAD compares: South Asian, 0.016%; no homozygotes.

Submissions (3):

Labcorp Genetics (formerly Invitae), Labcorp
Classification: Uncertain significance for Charcot-Marie-Tooth disease axonal type 2P. Last evaluated: 2025-06-30. Review status: criteria provided, single submitter. Criteria: Invitae Variant Classification Sherloc (09022015). Collection method: clinical testing. Allele origin: germline.
Comment: This sequence change replaces arginine, which is basic and polar, with cysteine, which is neutral and slightly polar, at codon 718 of the LRSAM1 protein (p.Arg718Cys). This variant is present in population databases (rs368202093, gnomAD 0.01%). This variant has not been reported in the literature in individuals affected with LRSAM1-related conditions. ClinVar contains an entry for this variant (Variation ID: 580568). Invitae Evidence Modeling of protein sequence and biophysical properties (such as structural, functional, and spatial information, amino acid conservation, physicochemical variation, residue mobility, and thermodynamic stability) indicates that this missense variant is expected to disrupt LRSAM1 protein function with a positive predictive value of 80%. In summary, the available evidence is currently insufficient to determine the role of this variant in disease. Therefore, it has been classified as a Variant of Uncertain Significance.

Ambry Genetics
Classification: Uncertain significance for Inborn genetic diseases. Last evaluated: 2022-02-11. Review status: criteria provided, single submitter. Criteria: Ambry Variant Classification Scheme 2023. Collection method: clinical testing. Allele origin: germline.
Comment: The p.R718C variant (also known as c.2152C>T), located in coding exon 24 of the LRSAM1 gene, results from a C to T substitution at nucleotide position 2152. The arginine at codon 718 is replaced by cysteine, an amino acid with highly dissimilar properties. This amino acid position is conserved. In addition, this alteration is predicted to be tolerated by in silico analysis. Since supporting evidence is limited at this time, the clinical significance of this alteration remains unclear.

CeGaT Center for Human Genetics Tuebingen
Classification: Uncertain significance. Last evaluated: 2021-08-01. Review status: criteria provided, single submitter. Criteria: CeGaT Center For Human Genetics Tuebingen Variant Classification Criteria Version 2. Collection method: clinical testing. Allele origin: germline. Affected: yes. Observed: 1 variant allele.